The following is an entry in ClinVar:

NM_015459.5(ATL3):c.893C>T (p.Pro298Leu)

Genes: LNCROPM (lncRNA regulator of PLAAT3 mediated phospholipid metabolism; plus strand), ATL3 (atlastin GTPase 3; minus strand). Cytogenetic location: 11q13.1.
Variant type: single nucleotide variant.
Coding change: c.893C>T on transcript NM_015459.5 (MANE Select); coding-DNA position 893, C replaced by T.
Protein change: p.Pro298Leu; replaces proline 298 with leucine.
Molecular consequence: missense variant.
Genome position (GRCh38, 1-based): chr11:63,636,292, G>A on the plus strand (C>T on the coding strand, the complement: ATL3 is on the minus strand). VCF-style: chr11-63636292-G-A. GRCh37 (hg19) VCF-style: chr11-63403764-G-A.
Other names: c.839C>T, p.Pro280Leu (NM_001290048.2); c.893C>T (NM_015459.3, NM_015459.4); short protein forms P280L, P298L.
Identifiers: ClinVar variation 2143717 (VCV002143717.6), dbSNP rs780652438, ClinGen allele CA6063658.

ClinVar aggregate classification (germline): Uncertain significance. Review status: criteria provided, multiple submitters, no conflicts (2 of 4 stars). 3 submissions from 3 submitters: Uncertain significance (3). Last evaluated 2026-02-04.

Conditions:
ATL3-related disorder. Also called: ATL3-related condition.
Neuropathy, hereditary sensory, type 1F. Also called: HSN IF; Hereditary sensory neuropathy type IF. Identifiers: Orphanet 36386, MedGen C3810194, MONDO:0014286, OMIM 615632.
Inborn genetic diseases. Identifiers: MedGen C0950123, MeSH D030342.

Allele frequency attached by ClinVar (database versions not stated): gnomAD 0.00001; gnomAD exomes 0.00001; ExAC 0.00002; TOPMed 0.00003.
gnomAD v4.1: 20 of 1,613,856 alleles (0.0012%); highest among the groups gnomAD compares: African/African-American, 0.0027%; no homozygotes.

Submissions (3):

PreventionGenetics, part of Exact Sciences
Classification: Uncertain significance for ATL3-related condition. Last evaluated: 2026-02-04. Review status: criteria provided, single submitter. Criteria: ACMG Guidelines, 2015. Collection method: clinical testing. Allele origin: germline.
Comment: The ATL3 c.893C>T variant is predicted to result in the amino acid substitution p.Pro298Leu. To our knowledge, this variant has not been reported in the literature. This variant is reported in 0.0065% of alleles in individuals of South Asian descent in gnomAD. At this time, the clinical significance of this variant is uncertain due to the absence of conclusive functional and genetic evidence.

Ambry Genetics
Classification: Uncertain significance for Inborn genetic diseases. Last evaluated: 2025-12-11. Review status: criteria provided, single submitter. Criteria: Ambry Variant Classification Scheme 2023. Collection method: clinical testing. Allele origin: germline.

Labcorp Genetics (formerly Invitae), Labcorp
Classification: Uncertain significance for Neuropathy, hereditary sensory, type 1F. Last evaluated: 2024-12-27. Review status: criteria provided, single submitter. Criteria: Invitae Variant Classification Sherloc (09022015). Collection method: clinical testing. Allele origin: germline.
Comment: This sequence change replaces proline, which is neutral and non-polar, with leucine, which is neutral and non-polar, at codon 298 of the ATL3 protein (p.Pro298Leu). The frequency data for this variant in the population databases is considered unreliable, as metrics indicate poor data quality at this position in the gnomAD database. This variant has not been reported in the literature in individuals affected with ATL3-related conditions. ClinVar contains an entry for this variant (Variation ID: 2143717). Invitae Evidence Modeling of protein sequence and biophysical properties (such as structural, functional, and spatial information, amino acid conservation, physicochemical variation, residue mobility, and thermodynamic stability) indicates that this missense variant is expected to disrupt ATL3 protein function with a positive predictive value of 80%. In summary, the available evidence is currently insufficient to determine the role of this variant in disease. Therefore, it has been classified as a Variant of Uncertain Significance.